The following is an entry in ClinVar:

NM_004448.4(ERBB2):c.3463G>T (p.Gly1155Cys)

Gene: ERBB2 (erb-b2 receptor tyrosine kinase 2; plus strand). Cytogenetic location: 17q12.
Variant type: single nucleotide variant.
Coding change: c.3463G>T on transcript NM_004448.4 (MANE Select); coding-DNA position 3463, G replaced by T.
Protein change: p.Gly1155Cys; replaces glycine 1155 with cysteine.
Molecular consequence: missense variant. On other transcripts: 3 prime UTR variant (2), non-coding transcript variant (1).
Genome position (GRCh38, 1-based): chr17:39,727,739, G>T. VCF-style: chr17-39727739-G-T. GRCh37 (hg19) VCF-style: chr17-37883992-G-T.
Other names: c.3373G>T, p.Gly1125Cys (NM_001005862.3, NM_001382782.1, NM_001382783.1); c.3418G>T, p.Gly1140Cys (NM_001289936.2); c.*42G>T (NM_001289937.2, NM_001382803.1); c.3580G>T, p.Gly1194Cys (NM_001382784.1); c.3565G>T, p.Gly1189Cys (NM_001382785.1); c.3544G>T, p.Gly1182Cys (NM_001382786.1); c.3538G>T, p.Gly1180Cys (NM_001382787.1); c.3493G>T, p.Gly1165Cys (NM_001382788.1); and 16 more; short protein forms G1140C, G1152C, G1165C, G1180C, G879C, G1095C, G1103C, G1122C.
Identifiers: ClinVar variation 2966293 (VCV002966293.4), dbSNP rs751372943, ClinGen allele CA8534568.

ClinVar aggregate classification (germline): Uncertain significance. Review status: criteria provided, multiple submitters, no conflicts (2 of 4 stars). 2 submissions from 2 submitters: Uncertain significance (2). Last evaluated 2024-01-09.

Conditions:
Lung cancer. Also called: Malignant tumor of lung; Lung cancer, somatic. Identifiers: MedGen C0242379, MONDO:0008903, OMIM 211980.
Ovarian cancer. Also called: OVARIAN CANCER, SOMATIC. Identifiers: Orphanet 213500, MedGen C1140680, MONDO:0008170, OMIM 167000.
Gastric cancer. Also called: Malignant tumor of stomach; Stomach cancer. Identifiers: MedGen C0024623, MeSH D013274, MONDO:0001056, OMIM 613659, HP:0012126.
Glioma susceptibility 1 (GLM1). Also called: Glioblastoma, somatic. Identifiers: MedGen C2750850, MONDO:0024498, OMIM 137800.
Visceral neuropathy, familial, 2, autosomal recessive. Identifiers: MedGen C5561950, MONDO:0030399, OMIM 619465.

Allele frequency attached by ClinVar (database versions not stated): ExAC 0.00001.
gnomAD v4.1: 4 of 1,589,324 alleles (0.00025%); highest among the groups gnomAD compares: Non-Finnish European, 0.00034%; no homozygotes.

Submissions (2):

Fulgent Genetics
Classification: Uncertain significance for Glioma susceptibility 1; Ovarian cancer; Lung cancer; Gastric cancer; Visceral neuropathy, familial, 2, autosomal recessive. Last evaluated: 2024-01-09. Review status: criteria provided, single submitter. Criteria: ACMG Guidelines, 2015. Collection method: clinical testing. Allele origin: germline.

Labcorp Genetics (formerly Invitae), Labcorp
Classification: Uncertain significance. Last evaluated: 2023-06-27. Review status: criteria provided, single submitter. Criteria: Invitae Variant Classification Sherloc (09022015). Collection method: clinical testing. Allele origin: germline.
Comment: This variant has not been reported in the literature in individuals affected with ERBB2-related conditions. In summary, the available evidence is currently insufficient to determine the role of this variant in disease. Therefore, it has been classified as a Variant of Uncertain Significance. An algorithm developed to predict the effect of missense changes on protein structure and function (PolyPhen-2) suggests that this variant is likely to be tolerated. This variant is present in population databases (rs751372943, gnomAD 0.001%). This sequence change replaces glycine, which is neutral and non-polar, with cysteine, which is neutral and slightly polar, at codon 1155 of the ERBB2 protein (p.Gly1155Cys).